The following is an entry in ClinVar:

ClinVar aggregate classification (germline): Uncertain significance (1 of 4 stars; one submission).

Submission:

Labcorp Genetics (formerly Invitae), Labcorp
Classification: Uncertain significance. Last evaluated: 2021-07-30. Review status: criteria provided, single submitter. Criteria: Invitae Variant Classification Sherloc (09022015). Collection method: clinical testing. Allele origin: germline.
Comment: In summary, the available evidence is currently insufficient to determine the role of this variant in disease. Therefore, it has been classified as a Variant of Uncertain Significance. Advanced modeling of protein sequence and biophysical properties (such as structural, functional, and spatial information, amino acid conservation, physicochemical variation, residue mobility, and thermodynamic stability) performed at Invitae indicates that this missense variant is not expected to disrupt LRP2 protein function. This variant has not been reported in the literature in individuals affected with LRP2-related conditions. This variant is not present in population databases (ExAC no frequency). This sequence change replaces isoleucine with leucine at codon 4267 of the LRP2 protein (p.Ile4267Leu). The isoleucine residue is moderately conserved and there is a small physicochemical difference between isoleucine and leucine.

NM_004525.3(LRP2):c.12799A>C (p.Ile4267Leu)

Gene: LRP2 (LDL receptor related protein 2; minus strand). Cytogenetic location: 2q31.1.
Variant type: single nucleotide variant.
Coding change: c.12799A>C on transcript NM_004525.3 (MANE Select); coding-DNA position 12799, A replaced by C.
Protein change: p.Ile4267Leu; replaces isoleucine 4267 with leucine.
Molecular consequence: missense variant.
Genome position (GRCh38, 1-based): chr2:169,146,751, T>G on the plus strand (A>C on the coding strand, the complement: LRP2 is on the minus strand). VCF-style: chr2-169146751-T-G. GRCh37 (hg19) VCF-style: chr2-170003261-T-G.
Other names: short protein forms I4267L.
Identifiers: ClinVar variation 1508910 (VCV001508910.6), dbSNP rs200188333, ClinGen allele CA349129207.